The following is an entry in ClinVar:

NM_015656.2(KIF26A):c.3240TGA[1] (p.Asp1081del)

Gene: KIF26A (kinesin family member 26A; plus strand). Cytogenetic location: 14q32.33.
Variant type: Microsatellite.
Coding change: c.3240TGA[1] on transcript NM_015656.2 (MANE Select); one copy of the 3-base unit TGA starting at c.3240; the reference has two copies in a row; one copy, 3 bases deleted.
Protein change: p.Asp1081del; deletes aspartic acid 1081.
Genome position (GRCh38, 1-based): chr14:104,176,031-104,176,033, TGA deleted; deleting any 3 consecutive bases within chr14:104,176,027-104,176,033 gives the same sequence; the position shown is the placement nearest the transcript's 3' end. VCF-style (leftmost placement, unchanged base first): chr14-104176026-AATG-A. GRCh37 (hg19) VCF-style: chr14-104642363-AATG-A.
Other names: short protein forms D1081del.
Identifiers: ClinVar variation 3772492 (VCV003772492.13).

ClinVar aggregate classification (germline): Uncertain significance (1 of 4 stars; one submission).

Submission:

CeGaT Center for Human Genetics Tuebingen
Classification: Uncertain significance. Last evaluated: 2025-02-01. Review status: criteria provided, single submitter. Criteria: CeGaT Center For Human Genetics Tuebingen Variant Classification Criteria Version 2. Collection method: clinical testing. Allele origin: germline. Affected: yes. Observed: 1 variant allele.
Comment: KIF26A: PM2, PM4:Supporting